The following is an entry in ClinVar:

NM_001845.6(COL4A1):c.1605C>A (p.Phe535Leu)

Gene: COL4A1 (collagen type IV alpha 1 chain; minus strand). Cytogenetic location: 13q34.
Variant type: single nucleotide variant.
Coding change: c.1605C>A on transcript NM_001845.6 (MANE Select); coding-DNA position 1605, C replaced by A.
Protein change: p.Phe535Leu; replaces phenylalanine 535 with leucine.
Molecular consequence: missense variant.
Genome position (GRCh38, 1-based): chr13:110,187,261, G>T on the plus strand (C>A on the coding strand, the complement: COL4A1 is on the minus strand). VCF-style: chr13-110187261-G-T. GRCh37 (hg19) VCF-style: chr13-110839608-G-T.
Other names: c.1605C>A (NM_001845.4); short protein forms F535L.
Identifiers: ClinVar variation 1804734 (VCV001804734.8), dbSNP rs139448202, ClinGen allele CA7047872.

ClinVar aggregate classification (germline): Conflicting classifications of pathogenicity. Review status: criteria provided, conflicting classifications (1 of 4 stars). 4 submissions from 4 submitters: Uncertain significance (2); Likely benign (2). Last evaluated 2025-12-10.

Conditions:
Autosomal dominant familial hematuria-retinal arteriolar tortuosity-contractures syndrome. Also called: Hereditary Angiopathy with Nephropathy, Aneurysms, and Muscle Cramps (HANAC) Syndrome; Angiopathy, hereditary, with nephropathy, aneurysms, and muscle cramps. Identifiers: Orphanet 73229, MedGen C2673195, MONDO:0012726, OMIM 611773.
Hemorrhage, intracerebral, susceptibility to (ICH). Also called: Stroke, hemorrhagic, susceptibility to. Identifiers: MedGen C3281105, MONDO:0100533, OMIM 614519.
Brain small vessel disease 1 with or without ocular anomalies (BSVD1). Also called: BRAIN SMALL VESSEL DISEASE WITH HEMORRHAGE; GOULD SYNDROME 1; Brain small vessel disease with or without ocular anomalies; PORENCEPHALY, TYPE 1, AUTOSOMAL DOMINANT. Identifiers: Orphanet 2940, Orphanet 36383, Orphanet 99810, MedGen C4755307, MONDO:0008289, OMIM 175780.
Microangiopathy and leukoencephalopathy, pontine, autosomal dominant. Also called: DEMENTIA, HEREDITARY MULTI-INFARCT, SWEDISH TYPE; Pontine autosomal dominant microangiopathy with leukoencephalopathy. Identifiers: Orphanet 477749, MedGen C5231411, MONDO:0032814, OMIM 618564.
Retinal arterial tortuosity. Also called: Retinal arteries, tortuosity of; RETINAL HEMORRHAGE WITH VASCULAR TORTUOSITY. Identifiers: Orphanet 75326, MedGen C0423401, MONDO:0008373, OMIM 180000, HP:0000631.
Inborn genetic diseases. Identifiers: MedGen C0950123, MeSH D030342.

gnomAD v4.1: 16 of 1,613,600 alleles (0.00099%); highest among the groups gnomAD compares: Admixed American, 0.025%; no homozygotes.

Submissions (4):

Labcorp Genetics (formerly Invitae), Labcorp
Classification: Likely benign. Last evaluated: 2025-12-10. Review status: criteria provided, single submitter. Criteria: Invitae Variant Classification Sherloc (09022015). Collection method: clinical testing. Allele origin: germline.

Ambry Genetics
Classification: Likely benign for Inborn genetic diseases. Last evaluated: 2025-08-31. Review status: criteria provided, single submitter. Criteria: Ambry Variant Classification Scheme 2023. Collection method: clinical testing. Allele origin: germline.

Fulgent Genetics
Classification: Uncertain significance for Brain small vessel disease 1 with or without ocular anomalies; Retinal arterial tortuosity; Autosomal dominant familial hematuria-retinal arteriolar tortuosity-contractures syndrome; Hemorrhage, intracerebral, susceptibility to; Microangiopathy and leukoencephalopathy, pontine, autosomal dominant. Last evaluated: 2023-12-22. Review status: criteria provided, single submitter. Criteria: ACMG Guidelines, 2015. Collection method: clinical testing. Allele origin: germline.

Women's Health and Genetics/Laboratory Corporation of America, LabCorp
Classification: Uncertain significance. Last evaluated: 2022-11-09. Review status: criteria provided, single submitter. Criteria: LabCorp Variant Classification Summary - May 2015. Collection method: clinical testing. Allele origin: germline.
Comment: Variant summary: COL4A1 c.1605C>A (p.Phe535Leu) results in a non-conservative amino acid change in the encoded protein sequence. Three of five in-silico tools predict a benign effect of the variant on protein function. The variant allele was found at a frequency of 6e-05 in 251330 control chromosomes. To our knowledge, no occurrence of c.1605C>A in individuals affected with Porencephaly 1 and no experimental evidence demonstrating its impact on protein function have been reported. No clinical diagnostic laboratories have submitted clinical-significance assessments for this variant to ClinVar after 2014. Based on the evidence outlined above, the variant was classified as uncertain significance.